The following is an entry in ClinVar:

ClinVar aggregate classification (germline): Benign/Likely benign. Review status: criteria provided, multiple submitters, no conflicts (2 of 4 stars). 4 submissions from 4 submitters: Benign (1); Likely benign (3). Last evaluated 2025-11-23.

Conditions:
Aortic aneurysm, familial thoracic 6 (AAT6). Also called: FAMILIAL THORACIC AORTIC ANEURYSM WITH LIVEDO RETICULARIS AND IRIS FLOCCULI. Identifiers: MedGen C2673186, MONDO:0012730, OMIM 611788.

Allele frequency attached by ClinVar (database versions not stated): gnomAD exomes 0.00007; ExAC 0.00009; gnomAD 0.00022; ESP Exome Variant Server 0.00023; TOPMed 0.00026; 1000 Genomes Project 0.00040; 1000 Genomes Project 30x 0.00047.
gnomAD v4.1: 150 of 1,613,880 alleles (0.0093%); highest among the groups gnomAD compares: African/African-American, 0.063%; no homozygotes.

Submissions (4):

Labcorp Genetics (formerly Invitae), Labcorp
Classification: Likely benign for Aortic aneurysm, familial thoracic 6. Last evaluated: 2025-11-23. Review status: criteria provided, single submitter. Criteria: Invitae Variant Classification Sherloc (09022015). Collection method: clinical testing. Allele origin: germline.

Blueprint Genetics
Classification: Likely benign. Last evaluated: 2024-02-15. Review status: criteria provided, single submitter. Criteria: ACMG Guidelines, 2015. Collection method: clinical testing. Allele origin: germline.

Women's Health and Genetics/Laboratory Corporation of America, LabCorp
Classification: Benign. Last evaluated: 2023-08-10. Review status: criteria provided, single submitter. Criteria: LabCorp Variant Classification Summary - May 2015. Collection method: clinical testing. Allele origin: germline.

GeneDx
Classification: Likely benign. Last evaluated: 2017-01-16. Review status: criteria provided, single submitter. Criteria: GeneDx Variant Classification (06012015). Collection method: clinical testing. Allele origin: germline. Affected: yes.
Comment: This variant is considered likely benign or benign based on one or more of the following criteria: it is a conservative change, it occurs at a poorly conserved position in the protein, it is predicted to be benign by multiple in silico algorithms, and/or has population frequency not consistent with disease.

NM_001613.4(ACTA2):c.455-18C>T

Gene: ACTA2 (actin alpha 2, smooth muscle; minus strand). Cytogenetic location: 10q23.31.
Variant type: single nucleotide variant.
Coding change: c.455-18C>T on transcript NM_001613.4 (MANE Select); 18 bases into the intron before coding-DNA position 455, C replaced by T.
Molecular consequence: intron variant.
Genome position (GRCh38, 1-based): chr10:88,941,408, G>A on the plus strand (C>T on the coding strand, the complement: ACTA2 is on the minus strand). VCF-style: chr10-88941408-G-A. GRCh37 (hg19) VCF-style: chr10-90701165-G-A.
Other names: c.326-18C>T (NM_001406467.1, NM_001406468.1, NM_001406469.1); c.455-18C>T (NM_001320855.2, NM_001406462.1, NM_001406471.1 and 3 more transcripts); c.344-18C>T (NM_001406466.1).
Identifiers: ClinVar variation 380264 (VCV000380264.12), dbSNP rs139684702, ClinGen allele CA028467.